The following is an entry in ClinVar:

ClinVar aggregate classification (germline): Pathogenic/Likely pathogenic. Review status: criteria provided, multiple submitters, no conflicts (2 of 4 stars). 3 submissions from 3 submitters: Pathogenic (2); Likely pathogenic (1). Last evaluated 2025-05-01.

Conditions:
Neurodevelopmental disorder. Identifiers: MedGen C1535926, MeSH D065886, MONDO:0700092.

gnomAD v4.1: 4 of 1,614,092 alleles (0.00025%); highest among the groups gnomAD compares: Non-Finnish European, 0.00017%; no homozygotes.

Submissions (3):

Victorian Clinical Genetics Services, Murdoch Childrens Research Institute
Classification: Pathogenic for Neurodevelopmental disorder. Last evaluated: 2025-05-01. Review status: criteria provided, single submitter. Criteria: ACMG Guidelines, 2015. Collection method: clinical testing. Allele origin: germline. Affected: yes.
Comment: This variant is classified as Pathogenic. Evidence in support of pathogenic classification: Variant is predicted to cause nonsense-mediated decay (NMD) and loss of protein (premature termination codon is located at least 54 nucleotides upstream of the final exon-exon junction); Variant is present in gnomAD <0.01 (v4: 4 heterozygote(s), 0 homozygote(s)); This variant has limited previous evidence of pathogenicity in unrelated individual(s). This variant has been classified as pathogenic and likely pathogenic by clinical laboratories with no information provided regarding zygosity (ClinVar); Other NMD-predicted variant(s) comparable to the one identified in this case have very strong previous evidence for pathogenicity (DECIPHER); Additional information: This variant is heterozygous; This gene is associated with both recessive and dominant disease. Biallelic pathogenic variants are associated with a more severe, syndromic intellectual disability (PMID: 29276005; DECIPHER). Individuals with heterozygous variants have also been reported with developmental delay, intellectual disability, and/or autistic features (PMID: 29276005, 30217758, 30409806); No published segregation evidence has been identified for this variant; No published functional evidence has been identified for this variant; Loss of function is a known mechanism of disease in this gene and is associated with autosomal recessive intellectual disability 65 (MIM#618109) and autosomal dominant neurodevelopmental disorder (MONDO:0700092), KDM5B-related; The condition associated with this gene has incomplete penetrance. While the recessive condition is fully penetrant, incomplete penetrance has been suggested for the autosomal dominant condition, where unaffected carriers of loss of function variants have been reported (PMID: 30217758, 30409806); Variants in this gene are known to have variable expressivity (PMID: 39202393).

Labcorp Genetics (formerly Invitae), Labcorp
Classification: Pathogenic. Last evaluated: 2022-06-30. Review status: criteria provided, single submitter. Criteria: Invitae Variant Classification Sherloc (09022015). Collection method: clinical testing. Allele origin: germline.
Comment: This sequence change creates a premature translational stop signal (p.Arg1281*) in the KDM5B gene. It is expected to result in an absent or disrupted protein product. Loss-of-function variants in KDM5B are known to be pathogenic (PMID: 29276005, 30409806). This variant is present in population databases (no rsID available, gnomAD 0.004%). This variant has not been reported in the literature in individuals affected with KDM5B-related conditions. For these reasons, this variant has been classified as Pathogenic.

GeneDx
Classification: Likely pathogenic. Last evaluated: 2022-04-27. Review status: criteria provided, single submitter. Criteria: GeneDx Variant Classification Process June 2021. Collection method: clinical testing. Allele origin: germline. Affected: yes.
Comment: Nonsense variant predicted to result in protein truncation or nonsense mediated decay in a gene for which loss-of-function is a known mechanism of disease; Not observed at a significant frequency in large population cohorts (gnomAD); Has not been previously published as pathogenic or benign to our knowledge

Literature cited by the submitters: PubMed 30409806 (cited by Victorian Clinical Genetics Services, Murdoch Childrens Research Institute and Labcorp Genetics (formerly Invitae), Labcorp); PubMed 29276005 (cited by Victorian Clinical Genetics Services, Murdoch Childrens Research Institute and Labcorp Genetics (formerly Invitae), Labcorp); PubMed 30217758 (cited by Victorian Clinical Genetics Services, Murdoch Childrens Research Institute); PubMed 39202393 (cited by Victorian Clinical Genetics Services, Murdoch Childrens Research Institute).

NM_006618.5(KDM5B):c.3841C>T (p.Arg1281Ter)

Gene: KDM5B (lysine demethylase 5B; minus strand). Cytogenetic location: 1q32.1.
Variant type: single nucleotide variant.
Coding change: c.3841C>T on transcript NM_006618.5 (MANE Select); coding-DNA position 3841, C replaced by T.
Protein change: p.Arg1281Ter; replaces arginine 1281 with a stop codon.
Molecular consequence: nonsense.
Genome position (GRCh38, 1-based): chr1:202,733,469, G>A on the plus strand (C>T on the coding strand, the complement: KDM5B is on the minus strand). VCF-style: chr1-202733469-G-A. GRCh37 (hg19) VCF-style: chr1-202702597-G-A.
Other names: c.3949C>T, p.Arg1317Ter (NM_001314042.2); c.3706C>T, p.Arg1236Ter (NM_001347591.2); c.3826C>T, p.Arg1276Ter (NM_001399817.1); short protein forms R1236*, R1276*, R1281*, R1317*.
Identifiers: ClinVar variation 1683797 (VCV001683797.6), dbSNP rs866525850, ClinGen allele CA35569184.